The following is an entry in ClinVar:

ClinVar aggregate classification (germline): Uncertain significance (1 of 4 stars; one submission).

Conditions:
Hereditary factor XI deficiency disease. Also called: PLASMA THROMBOPLASTIN ANTECEDENT DEFICIENCY; PTA DEFICIENCY; ROSENTHAL SYNDROME; Congenital factor XI deficiency. Identifiers: Orphanet 329, MedGen C0015523, MeSH D005173, MONDO:0012897, OMIM 612416.

gnomAD v4.1: 3 of 1,614,232 alleles (0.00019%); highest among the groups gnomAD compares: Non-Finnish European, 0.00017%; no homozygotes.

Submission:

Myriad Genetics, Inc.
Classification: Uncertain significance for Hereditary factor XI deficiency disease. Last evaluated: 2025-11-26. Review status: criteria provided, single submitter. Criteria: Myriad Autosomal Dominant, Autosomal Recessive and X-Linked Classification Criteria (2023). Collection method: clinical testing. Allele origin: unknown.
Comment: NM_000128.3(F11):c.1253G>C(G418A) is a missense variant classified as a variant of uncertain significance in the context of factor XI deficiency. G418A has been observed in a case with relevant disease (PMID: 37252892). Relevant functional assessments of this variant are not available in the literature. G418A has been observed in referenced population frequency databases. In summary, there is insufficient evidence to classify NM_000128.3(F11):c.1253G>C(G418A) as pathogenic or benign. Please note: this variant was assessed in the context of healthy population screening.

Literature cited by the submitters: PubMed 37252892.

NM_000128.4(F11):c.1253G>C (p.Gly418Ala)

Gene: F11 (coagulation factor XI; plus strand). Cytogenetic location: 4q35.2.
Variant type: single nucleotide variant.
Coding change: c.1253G>C on transcript NM_000128.4 (MANE Select); coding-DNA position 1253, G replaced by C.
Protein change: p.Gly418Ala; replaces glycine 418 with alanine.
Molecular consequence: missense variant.
Genome position (GRCh38, 1-based): chr4:186,284,209, G>C. VCF-style: chr4-186284209-G-C. GRCh37 (hg19) VCF-style: chr4-187205363-G-C.
Other names: c.1205G>C, p.Gly402Ala (NM_001440590.1, NM_001440596.1); c.1253G>C, p.Gly418Ala (NM_001440593.1); c.983G>C, p.Gly328Ala (NM_001440605.1, NM_001440607.1); c.935G>C, p.Gly312Ala (NM_001440606.1, NM_001440608.1); short protein forms G312A, G328A, G418A, G402A.
Identifiers: ClinVar variation 5003379 (VCV005003379.1).